The following is an entry in ClinVar:

ClinVar aggregate classification (germline): Uncertain significance (1 of 4 stars; one submission).

Submission:

GeneDx
Classification: Uncertain significance. Last evaluated: 2024-12-16. Review status: criteria provided, single submitter. Criteria: GeneDx Variant Classification Process June 2021. Collection method: clinical testing. Allele origin: germline. Affected: yes.
Comment: Not observed at significant frequency in large population cohorts (gnomAD); Missense variants in this gene are a common cause of disease and they are underrepresented in the general population; In silico analysis supports that this missense variant has a deleterious effect on protein structure/function; Has not been previously published as pathogenic or benign to our knowledge

NM_170665.4(ATP2A2):c.2464A>T (p.Asn822Tyr)

Gene: ATP2A2 (ATPase sarcoplasmic/endoplasmic reticulum Ca2+ transporting 2; plus strand). Cytogenetic location: 12q24.11.
Variant type: single nucleotide variant.
Coding change: c.2464A>T on transcript NM_170665.4 (MANE Select); coding-DNA position 2464, A replaced by T.
Protein change: p.Asn822Tyr; replaces asparagine 822 with tyrosine.
Molecular consequence: missense variant.
Genome position (GRCh38, 1-based): chr12:110,343,377, A>T. VCF-style: chr12-110343377-A-T. GRCh37 (hg19) VCF-style: chr12-110781182-A-T.
Other names: c.2359A>T, p.Asn787Tyr (NM_001413013.1); c.2464A>T, p.Asn822Tyr (NM_001413014.1, NM_001681.4); c.2089A>T, p.Asn697Tyr (NM_001413015.1); short protein forms N697Y, N787Y, N822Y.
Identifiers: ClinVar variation 3903272 (VCV003903272.1).
Genomic context (GRCh38, chr12:110,343,377, plus strand): 5'-CCTGCCACTGCACTGGGGTTCAACCCTCCTGATCTGGACATCATGAATAAACCTCCCCGG[A>T]ACCCAAAGGAACCATTGATCAGCGGGTGGCTCTTTTTCCGTTACTTGGCTATTGGCTGTG-3'
Protein context (NP_733765.1, residues 812-832): DLDIMNKPPR[Asn822Tyr]PKEPLISGWL